The following is an entry in ClinVar:

ClinVar aggregate classification (germline): Uncertain significance (1 of 4 stars; one submission).

Allele frequency attached by ClinVar (database versions not stated): gnomAD exomes 0.00005; ExAC 0.00012; gnomAD 0.00025; TOPMed 0.00028; ESP Exome Variant Server 0.00031.
gnomAD v4.1: 114 of 1,613,656 alleles (0.0071%); highest among the groups gnomAD compares: African/African-American, 0.051%; no homozygotes.

Submission:

Labcorp Genetics (formerly Invitae), Labcorp
Classification: Uncertain significance. Last evaluated: 2024-04-05. Review status: criteria provided, single submitter. Criteria: Invitae Variant Classification Sherloc (09022015). Collection method: clinical testing. Allele origin: germline.
Comment: This sequence change replaces arginine, which is basic and polar, with cysteine, which is neutral and slightly polar, at codon 467 of the NUP85 protein (p.Arg467Cys). This variant is present in population databases (rs372532025, gnomAD 0.05%). This variant has not been reported in the literature in individuals affected with NUP85-related conditions. ClinVar contains an entry for this variant (Variation ID: 2062928). An algorithm developed to predict the effect of missense changes on protein structure and function (PolyPhen-2) suggests that this variant¬†is likely to be tolerated. In summary, the available evidence is currently insufficient to determine the role of this variant in disease. Therefore, it has been classified as a Variant of Uncertain Significance.

NM_024844.5(NUP85):c.1399C>T (p.Arg467Cys)

Gene: NUP85 (nucleoporin 85; plus strand). Cytogenetic location: 17q25.1.
Variant type: single nucleotide variant.
Coding change: c.1399C>T on transcript NM_024844.5 (MANE Select); coding-DNA position 1399, C replaced by T.
Protein change: p.Arg467Cys; replaces arginine 467 with cysteine.
Molecular consequence: missense variant.
Genome position (GRCh38, 1-based): chr17:75,232,853, C>T. VCF-style: chr17-75232853-C-T. GRCh37 (hg19) VCF-style: chr17-73228948-C-T.
Other names: c.1261C>T, p.Arg421Cys (NM_001303276.2); c.1264C>T, p.Arg422Cys (NM_001330472.2); short protein forms R467C, R422C, R421C.
Identifiers: ClinVar variation 2062928 (VCV002062928.2), dbSNP rs372532025, ClinGen allele CA8758846.